The following is an entry in ClinVar:

NM_182919.4(TICAM1):c.614G>A (p.Ser205Asn)

Gene: TICAM1 (TIR domain containing adaptor molecule 1; minus strand). Cytogenetic location: 19p13.3.
Variant type: single nucleotide variant.
Coding change: c.614G>A on transcript NM_182919.4 (MANE Select); coding-DNA position 614, G replaced by A.
Protein change: p.Ser205Asn; replaces serine 205 with asparagine.
Molecular consequence: missense variant. On other transcripts: 5 prime UTR variant (1).
Genome position (GRCh38, 1-based): chr19:4,817,764, C>T on the plus strand (G>A on the coding strand, the complement: TICAM1 is on the minus strand). VCF-style: chr19-4817764-C-T. GRCh37 (hg19) VCF-style: chr19-4817776-C-T.
Other names: c.572G>A, p.Ser191Asn (NM_001385678.1); c.479G>A, p.Ser160Asn (NM_001385679.1); c.-29G>A (NM_001385680.1); short protein forms S205N, S160N, S191N.
Identifiers: ClinVar variation 540511 (VCV000540511.8), dbSNP rs754876060, ClinGen allele CA9105314.
Genomic context (GRCh38, chr19:4,817,764, plus strand): 5'-TGTGGGCTGCGGTGCAGGCTGAGGAAGGGCATGGTAGGGGACTGGCTGATTTCCAAGTTG[C>T]TGGCCAGGGAGGCAGGGCTGCCAGTGGATCGCAGGGAGCACCCTTGGCTCCAGTCCGAAA-3'
Protein context (NP_891549.1, residues 195-215): RSTGSPASLA[Ser205Asn]NLEISQSPTM

ClinVar aggregate classification (germline): Uncertain significance (1 of 4 stars; one submission).

Conditions:
Encephalopathy, acute, infection-induced (herpes-specific), susceptibility to, 6. Also called: Herpes simplex encephalitis, susceptibility to, 4. Identifiers: Orphanet 1930, MedGen C3553869, MONDO:0013921, OMIM 614850.

Allele frequency attached by ClinVar (database versions not stated): gnomAD exomes 0.00002; TOPMed below 0.00001; ExAC 0.00002.
gnomAD v4.1: 36 of 1,602,044 alleles (0.0022%); highest among the groups gnomAD compares: Non-Finnish European, 0.0029%; no homozygotes.

Submission:

Labcorp Genetics (formerly Invitae), Labcorp
Classification: Uncertain significance for Encephalopathy, acute, infection-induced (herpes-specific), susceptibility to, 6. Last evaluated: 2024-10-07. Review status: criteria provided, single submitter. Criteria: Invitae Variant Classification Sherloc (09022015). Collection method: clinical testing. Allele origin: germline.
Comment: This sequence change replaces serine, which is neutral and polar, with asparagine, which is neutral and polar, at codon 205 of the TICAM1 protein (p.Ser205Asn). This variant is present in population databases (rs754876060, gnomAD 0.004%). This variant has not been reported in the literature in individuals affected with TICAM1-related conditions. ClinVar contains an entry for this variant (Variation ID: 540511). An algorithm developed to predict the effect of missense changes on protein structure and function (PolyPhen-2) suggests that this variant is likely to be disruptive. In summary, the available evidence is currently insufficient to determine the role of this variant in disease. Therefore, it has been classified as a Variant of Uncertain Significance.